The following is an entry in ClinVar:

NM_001384732.1(CPLANE1):c.7939T>G (p.Ser2647Ala)

Gene: CPLANE1 (ciliogenesis and planar polarity effector complex subunit 1; minus strand). Cytogenetic location: 5p13.2.
Variant type: single nucleotide variant.
Coding change: c.7939T>G on transcript NM_001384732.1 (MANE Select); coding-DNA position 7939, T replaced by G.
Protein change: p.Ser2647Ala; replaces serine 2647 with alanine.
Molecular consequence: missense variant.
Genome position (GRCh38, 1-based): chr5:37,157,742, A>C on the plus strand (T>G on the coding strand, the complement: CPLANE1 is on the minus strand). VCF-style: chr5-37157742-A-C. GRCh37 (hg19) VCF-style: chr5-37157844-A-C.
Other names: c.7885T>G, p.Ser2629Ala (NM_023073.4); short protein forms S2647A, S2629A.
Identifiers: ClinVar variation 2133095 (VCV002133095.4), dbSNP rs1341812944, ClinGen allele CA359474697.
Genomic context (GRCh38, chr5:37,157,742, plus strand): 5'-AATTATGTGGGGGAACAGCATTAGTAACTGAAGCTGCCATATAATGTAACTCTGCAGACG[A>C]TGGAACTGCTAGATGATCGCTTTGCTGTTTGATAACATTATCATTTGAAGGCTCTTCTCT-3'
Protein context (NP_001371661.1, residues 2637-2657): KQQSDHLAVP[Ser2647Ala]SAELHYMAAS

ClinVar aggregate classification (germline): Uncertain significance (1 of 4 stars; one submission).

Allele frequency attached by ClinVar (database versions not stated): gnomAD exomes 0.00001.
gnomAD v4.1: 10 of 1,613,968 alleles (0.00062%); highest among the groups gnomAD compares: Non-Finnish European, 0.00085%; no homozygotes.

Submission:

Labcorp Genetics (formerly Invitae), Labcorp
Classification: Uncertain significance. Last evaluated: 2022-05-06. Review status: criteria provided, single submitter. Criteria: Invitae Variant Classification Sherloc (09022015). Collection method: clinical testing. Allele origin: germline.
Comment: In summary, the available evidence is currently insufficient to determine the role of this variant in disease. Therefore, it has been classified as a Variant of Uncertain Significance. Advanced modeling of protein sequence and biophysical properties (such as structural, functional, and spatial information, amino acid conservation, physicochemical variation, residue mobility, and thermodynamic stability) performed at Invitae indicates that this missense variant is not expected to disrupt CPLANE1 protein function. This variant has not been reported in the literature in individuals affected with CPLANE1-related conditions. This variant is present in population databases (no rsID available, gnomAD 0.0009%). This sequence change replaces serine, which is neutral and polar, with alanine, which is neutral and non-polar, at codon 2629 of the CPLANE1 protein (p.Ser2629Ala).